The following is an entry in ClinVar:

NM_000264.5(PTCH1):c.108G>C (p.Thr36=)

Genes: PTCH1 (patched 1; minus strand), LOC130002133 (ATAC-STARR-seq lymphoblastoid silent region 20071; plus strand). Cytogenetic location: 9q22.32.
Variant type: single nucleotide variant.
Coding change: c.108G>C on transcript NM_000264.5 (MANE Select); coding-DNA position 108, G replaced by C.
Protein change: p.Thr36=; no amino-acid change (threonine 36 retained).
Molecular consequence: synonymous variant. On other transcripts: non-coding transcript variant (1), intron variant (3).
Genome position (GRCh38, 1-based): chr9:95,508,254, C>G on the plus strand (G>C on the coding strand, the complement: PTCH1 is on the minus strand). VCF-style: chr9-95508254-C-G. GRCh37 (hg19) VCF-style: chr9-98270536-C-G.
Other names: c.108G>C (NM_000264.4); c.108G>C, p.Thr36= (NM_001354918.2); c.199-1655G>C (NM_001083603.3); c.4-1655G>C (NM_001083602.3, NM_001354919.2).
Identifiers: ClinVar variation 1788976 (VCV001788976.13), dbSNP rs1363824163, ClinGen allele CA466107702.
Genomic context (GRCh38, chr9:95,508,254, plus strand): 5'-GCAGTAGCTGGGCCGGTGCAGATAGTCCCGGTCCGGCGCGGCAGCACGGCGCAGCCCCCC[C>G]GTCCGTCTGCGCCTCCCGCCTCCAGCCGGCCGTCCCGGGGCACCGATACAGCCGCTGCCG-3'
Protein context (NP_000255.2, residues 26-46): RPAGGGRRRR[Thr36=]GGLRRAAAPD

ClinVar aggregate classification (germline): Benign/Likely benign. Review status: criteria provided, multiple submitters, no conflicts (2 of 4 stars). 4 submissions from 4 submitters: Benign (1); Likely benign (3). Last evaluated 2025-08-01.

Conditions:
Hereditary cancer-predisposing syndrome. Also called: Hereditary neoplastic syndrome; Neoplastic Syndromes, Hereditary; Tumor predisposition; Hereditary Cancer Syndrome. Identifiers: Orphanet 140162, MedGen C0027672, MeSH D009386, MONDO:0015356.
Gorlin syndrome. Also called: Nevoid Basal Cell Carcinoma Syndrome; Basal cell nevus syndrome. Identifiers: Orphanet 377, MedGen C0004779, MONDO:0007187.

gnomAD v4.1: 3 of 1,598,680 alleles (0.00019%); highest among the groups gnomAD compares: East Asian, 0.0023%; no homozygotes.

Submissions (4):

CeGaT Center for Human Genetics Tuebingen
Classification: Likely benign. Last evaluated: 2025-08-01. Review status: criteria provided, single submitter. Criteria: CeGaT Center For Human Genetics Tuebingen Variant Classification Criteria Version 2. Collection method: clinical testing. Allele origin: germline. Affected: yes. Observed: 1 variant allele.
Comment: PTCH1: BP4, BP7

Quest Diagnostics Nichols Institute San Juan Capistrano
Classification: Likely benign. Last evaluated: 2025-05-26. Review status: criteria provided, single submitter. Criteria: Quest Diagnostics criteria. Collection method: clinical testing. Allele origin: unknown.

Labcorp Genetics (formerly Invitae), Labcorp
Classification: Benign for Gorlin syndrome. Last evaluated: 2025-03-09. Review status: criteria provided, single submitter. Criteria: Invitae Variant Classification Sherloc (09022015). Collection method: clinical testing. Allele origin: germline.

Ambry Genetics
Classification: Likely benign for Hereditary cancer-predisposing syndrome. Last evaluated: 2020-11-20. Review status: criteria provided, single submitter. Criteria: Ambry Variant Classification Scheme 2023. Collection method: clinical testing. Allele origin: germline.